The following is an entry in ClinVar:

NM_032829.3(FAM222A):c.1137G>A (p.Glu379=)

Genes: FAM222A (family with sequence similarity 222 member A; plus strand), FAM222A-AS1 (FAM222A antisense RNA 1; minus strand). Cytogenetic location: 12q24.11.
Variant type: single nucleotide variant.
Coding change: c.1137G>A on transcript NM_032829.3 (MANE Select); coding-DNA position 1137, G replaced by A.
Protein change: p.Glu379=; no amino-acid change (glutamic acid 379 retained).
Molecular consequence: synonymous variant.
Genome position (GRCh38, 1-based): chr12:109,769,066, G>A. VCF-style: chr12-109769066-G-A. GRCh37 (hg19) VCF-style: chr12-110206871-G-A.
Identifiers: ClinVar variation 791093 (VCV000791093.19), dbSNP rs111838477, ClinGen allele CA6779767.

ClinVar aggregate classification (germline): Benign/Likely benign. Review status: criteria provided, multiple submitters, no conflicts (2 of 4 stars). 2 submissions from 2 submitters: Benign (1); Likely benign (1). Last evaluated 2024-08-01.

Allele frequency attached by ClinVar (database versions not stated): ESP Exome Variant Server 0.00294; 1000 Genomes Project 0.00300; 1000 Genomes Project 30x 0.00359; TOPMed 0.00394; gnomAD exomes 0.00400; gnomAD 0.00402 and 0.00409; ExAC 0.00740.
gnomAD v4.1: 7,168 of 1,597,692 alleles (0.45%); highest among the groups gnomAD compares: Admixed American, 0.71%; 24 homozygotes.

Submissions (2):

CeGaT Center for Human Genetics Tuebingen
Classification: Likely benign. Last evaluated: 2024-08-01. Review status: criteria provided, single submitter. Criteria: CeGaT Center For Human Genetics Tuebingen Variant Classification Criteria Version 2. Collection method: clinical testing. Allele origin: germline. Affected: yes. Observed: 1 variant allele.
Comment: FAM222A: BP4, BP7, BS2

Labcorp Genetics (formerly Invitae), Labcorp
Classification: Benign. Last evaluated: 2018-07-15. Review status: criteria provided, single submitter. Criteria: Invitae Variant Classification Sherloc (09022015). Collection method: clinical testing. Allele origin: germline.